The following is an entry in ClinVar:

ClinVar aggregate classification (germline): Benign/Likely benign. Review status: criteria provided, multiple submitters, no conflicts (2 of 4 stars). 3 submissions from 3 submitters: Benign (1); Likely benign (2). Last evaluated 2025-02-28.

Conditions:
Hereditary cancer-predisposing syndrome. Also called: Hereditary Cancer Syndrome; Neoplastic Syndromes, Hereditary; Tumor predisposition; Hereditary neoplastic syndrome. Identifiers: Orphanet 140162, MedGen C0027672, MeSH D009386, MONDO:0015356.
Mitochondrial complex II deficiency, nuclear type 1. Also called: SUCCINATE CoQ REDUCTASE DEFICIENCY. Identifiers: Orphanet 3208, MedGen C5700310, MONDO:0100294, OMIM 252011.
Pheochromocytoma/paraganglioma syndrome 5. Also called: Paragangliomas 5; SDHA-Related Hereditary Paraganglioma-Pheochromocytoma Syndrome. Identifiers: Orphanet 29072, MedGen C3279992, MONDO:0013602, OMIM 614165.

Submissions (3):

Myriad Genetics, Inc.
Classification: Benign for Pheochromocytoma/paraganglioma syndrome 5. Last evaluated: 2025-02-28. Review status: criteria provided, single submitter. Criteria: Myriad Autosomal Dominant, Autosomal Recessive and X-Linked Classification Criteria (2023). Collection method: clinical testing. Allele origin: unknown.
Comment: This variant is considered benign. This variant is a silent/synonymous amino acid change and it is not expected to impact splicing.

Ambry Genetics
Classification: Likely benign for Hereditary cancer-predisposing syndrome. Last evaluated: 2023-07-09. Review status: criteria provided, single submitter. Criteria: Ambry Variant Classification Scheme 2023. Collection method: clinical testing. Allele origin: germline.

Labcorp Genetics (formerly Invitae), Labcorp
Classification: Likely benign for Pheochromocytoma/paraganglioma syndrome 5; Mitochondrial complex II deficiency, nuclear type 1. Last evaluated: 2022-07-14. Review status: criteria provided, single submitter. Criteria: Invitae Variant Classification Sherloc (09022015). Collection method: clinical testing. Allele origin: germline.

NM_004168.4(SDHA):c.492A>G (p.Glu164=)

Gene: SDHA (succinate dehydrogenase complex flavoprotein subunit A; plus strand). Cytogenetic location: 5p15.33.
Variant type: single nucleotide variant.
Coding change: c.492A>G on transcript NM_004168.4 (MANE Select); coding-DNA position 492, A replaced by G.
Protein change: p.Glu164=; no amino-acid change (glutamic acid 164 retained).
Molecular consequence: synonymous variant.
Genome position (GRCh38, 1-based): chr5:225,918, A>G. VCF-style: chr5-225918-A-G. GRCh37 (hg19) VCF-style: chr5-226033-A-G.
Other names: c.348A>G, p.Glu116= (NM_001294332.2); c.492A>G, p.Glu164= (NM_001330758.2); c.492A>G (NM_004168.2).
Identifiers: ClinVar variation 2181740 (VCV002181740.7), dbSNP rs2477299284, ClinGen allele CA442691101.